The following is an entry in ClinVar:

ClinVar aggregate classification (germline): Uncertain significance (1 of 4 stars; one submission).

Conditions:
Autosomal recessive spastic paraplegia type 78. Identifiers: Orphanet 513436, MedGen C5567893, MONDO:0014975, OMIM 617225.
Kufor-Rakeb syndrome (KRS). Also called: PARKINSON DISEASE 9, AUTOSOMAL RECESSIVE, JUVENILE-ONSET. Identifiers: Orphanet 306674, Orphanet 314632, MedGen C1847640, MONDO:0011706, OMIM 606693.

Allele frequency attached by ClinVar (database versions not stated): gnomAD exomes below 0.00001 and 0.00001; ExAC 0.00001.
gnomAD v4.1: 6 of 1,613,752 alleles (0.00037%); highest among the groups gnomAD compares: Non-Finnish European, 0.00042%; no homozygotes.

Submission:

Labcorp Genetics (formerly Invitae), Labcorp
Classification: Uncertain significance for Kufor-Rakeb syndrome; Autosomal recessive spastic paraplegia type 78. Last evaluated: 2021-04-23. Review status: criteria provided, single submitter. Criteria: Invitae Variant Classification Sherloc (09022015). Collection method: clinical testing. Allele origin: germline.
Comment: This sequence change replaces threonine with isoleucine at codon 956 of the ATP13A2 protein (p.Thr956Ile). The threonine residue is moderately conserved and there is a moderate physicochemical difference between threonine and isoleucine. This variant is present in population databases (rs752784549, ExAC 0.002%). In summary, the available evidence is currently insufficient to determine the role of this variant in disease. Therefore, it has been classified as a Variant of Uncertain Significance. This variant has not been reported in the literature in individuals with ATP13A2-related conditions. Algorithms developed to predict the effect of missense changes on protein structure and function are either unavailable or do not agree on the potential impact of this missense change (SIFT: "Deleterious"; PolyPhen-2: "Probably Damaging"; Align-GVGD: "Class C0").

NM_022089.4(ATP13A2):c.2867C>T (p.Thr956Ile)

Gene: ATP13A2 (ATPase cation transporting 13A2; minus strand). Cytogenetic location: 1p36.13.
Variant type: single nucleotide variant.
Coding change: c.2867C>T on transcript NM_022089.4 (MANE Select); coding-DNA position 2867, C replaced by T.
Protein change: p.Thr956Ile; replaces threonine 956 with isoleucine.
Molecular consequence: missense variant.
Genome position (GRCh38, 1-based): chr1:16,987,262, G>A on the plus strand (C>T on the coding strand, the complement: ATP13A2 is on the minus strand). VCF-style: chr1-16987262-G-A. GRCh37 (hg19) VCF-style: chr1-17313757-G-A.
Other names: c.2852C>T, p.Thr951Ile (NM_001141973.3); c.2735C>T, p.Thr912Ile (NM_001141974.3); short protein forms T912I, T951I, T956I.
Identifiers: ClinVar variation 1434773 (VCV001434773.8), dbSNP rs752784549, ClinGen allele CA636675.